The following is an entry in ClinVar:

ClinVar aggregate classification (germline): Uncertain significance (1 of 4 stars; one submission).

Submission:

GeneDx
Classification: Uncertain significance. Last evaluated: 2024-04-07. Review status: criteria provided, single submitter. Criteria: GeneDx Variant Classification Process June 2021. Collection method: clinical testing. Allele origin: germline.
Comment: Not observed at significant frequency in large population cohorts (gnomAD); In silico analysis indicates that this missense variant does not alter protein structure/function; Has not been previously published as pathogenic or benign to our knowledge; Variants in candidate genes are classified as variants of uncertain significance in accordance with ACMG guidelines (PMID: 25741868)

NM_014709.4(USP34):c.1747A>G (p.Ser583Gly)

Gene: USP34 (ubiquitin specific peptidase 34; minus strand). Cytogenetic location: 2p15.
Variant type: single nucleotide variant.
Coding change: c.1747A>G on transcript NM_014709.4 (MANE Select); coding-DNA position 1747, A replaced by G.
Protein change: p.Ser583Gly; replaces serine 583 with glycine.
Molecular consequence: missense variant.
Genome position (GRCh38, 1-based): chr2:61,348,408, T>C on the plus strand (A>G on the coding strand, the complement: USP34 is on the minus strand). VCF-style: chr2-61348408-T-C. GRCh37 (hg19) VCF-style: chr2-61575543-T-C.
Other names: short protein forms S583G.
Identifiers: ClinVar variation 4891473 (VCV004891473.1).